The following is an entry in ClinVar:

ClinVar aggregate classification (germline): Uncertain significance (1 of 4 stars; one submission).

Submission:

Labcorp Genetics (formerly Invitae), Labcorp
Classification: Uncertain significance. Last evaluated: 2025-01-05. Review status: criteria provided, single submitter. Criteria: Invitae Variant Classification Sherloc (09022015). Collection method: clinical testing. Allele origin: germline.
Comment: This sequence change replaces alanine, which is neutral and non-polar, with valine, which is neutral and non-polar, at codon 14 of the GRIA3 protein (p.Ala14Val). This variant is not present in population databases (gnomAD no frequency). This variant has not been reported in the literature in individuals affected with GRIA3-related conditions. An algorithm developed to predict the effect of missense changes on protein structure and function (PolyPhen-2) suggests that this variant is likely to be tolerated. In summary, the available evidence is currently insufficient to determine the role of this variant in disease. Therefore, it has been classified as a Variant of Uncertain Significance.

NM_007325.5(GRIA3):c.41C>T (p.Ala14Val)

Gene: GRIA3 (glutamate ionotropic receptor AMPA type subunit 3; plus strand). Cytogenetic location: Xq25.
Variant type: single nucleotide variant.
Coding change: c.41C>T on transcript NM_007325.5 (MANE Select); coding-DNA position 41, C replaced by T.
Protein change: p.Ala14Val; replaces alanine 14 with valine.
Molecular consequence: missense variant.
Genome position (GRCh38, 1-based): chrX:123,184,576, C>T. VCF-style: chrX-123184576-C-T. GRCh37 (hg19) VCF-style: chrX-122318428-C-T.
Other names: c.41C>T, p.Ala14Val (NM_000828.5, NM_001256743.2); short protein forms A14V.
Identifiers: ClinVar variation 3607036 (VCV003607036.2).
Genomic context (GRCh38, chrX:123,184,576, plus strand): 5'-AGCTTCGTTTTAGGCGTAGCATGGCCAGGCAGAAGAAAATGGGGCAAAGCGTGCTCCGGG[C>T]GGTCTTCTTTTTAGTCCTGGGGCTTTTGGGTCATTCTCACGGAGGATTCCCCAACACCAT-3'
Protein context (NP_015564.5, residues 4-24): QKKMGQSVLR[Ala14Val]VFFLVLGLLG